The following is an entry in ClinVar:

NM_001267550.2(TTN):c.105624G>C (p.Gly35208=)

Genes: TTN (titin; minus strand), TTN-AS1 (TTN antisense RNA 1; plus strand), LOC129935183 (ATAC-STARR-seq lymphoblastoid active region 16808; plus strand). Cytogenetic location: 2q31.2.
Variant type: single nucleotide variant.
Coding change: c.105624G>C on transcript NM_001267550.2 (MANE Select); coding-DNA position 105624, G replaced by C.
Protein change: p.Gly35208=; no amino-acid change (glycine 35208 retained).
Molecular consequence: synonymous variant.
Genome position (GRCh38, 1-based): chr2:178,530,991, C>G on the plus strand (G>C on the coding strand, the complement: TTN is on the minus strand). VCF-style: chr2-178530991-C-G. GRCh37 (hg19) VCF-style: chr2-179395718-C-G.
Other names: c.100701G>C, p.Gly33567= (NM_001256850.1); c.78429G>C, p.Gly26143= (NM_003319.4); c.97920G>C, p.Gly32640= (NM_133378.4); c.78804G>C, p.Gly26268= (NM_133432.3); c.79005G>C, p.Gly26335= (NM_133437.4).
Identifiers: ClinVar variation 1586813 (VCV001586813.10), dbSNP rs763022587, ClinGen allele CA1985229.
Genomic context (GRCh38, chr2:178,530,991, plus strand): 5'-CACAGCCTTTTCAGTTACCCTGGCCTTTTGAATAGTCAGAGTGAACTCTGCTTCTTGTTT[C>G]CCTTCACTGTTTTCTACCACCACGCTGTAATTGCCCTCATCGGAAGCCTGGACTGAAGAG-3'
Protein context (NP_001254479.2, residues 35198-35218): NYSVVVENSE[Gly35208=]KQEAEFTLTI

ClinVar aggregate classification (germline): Likely benign. Review status: criteria provided, multiple submitters, no conflicts (2 of 4 stars). 3 submissions from 3 submitters: Likely benign (3). Last evaluated 2026-09-17.

Conditions:
Dilated cardiomyopathy 1G (CMD1G). Identifiers: Orphanet 154, MedGen C1858763, MONDO:0011400, OMIM 604145.
Autosomal recessive limb-girdle muscular dystrophy type 2J (LGMDR10). Also called: Limb-girdle muscular dystrophy, type 2J; MUSCULAR DYSTROPHY, LIMB-GIRDLE, AUTOSOMAL RECESSIVE 10. Identifiers: Orphanet 140922, MedGen C1837342, MONDO:0012127, OMIM 608807.
TTN-related disorder. Also called: TTN-related disorders; TTN-related condition; TTN-related disease.
Cardiovascular phenotype. Identifiers: MedGen CN230736.

Allele frequency attached by ClinVar (database versions not stated): TOPMed below 0.00001; ExAC 0.00001.

Submissions (3):

PreventionGenetics, part of Exact Sciences
Classification: Likely benign for TTN-related condition. Last evaluated: 2026-09-17. Review status: criteria provided, single submitter. Criteria: ACMG Guidelines, 2015. Collection method: clinical testing. Allele origin: germline.
Comment: This variant is classified as likely benign based on ACMG/AMP sequence variant interpretation guidelines (Richards et al. 2015 PMID: 25741868, with internal and published modifications).

Ambry Genetics
Classification: Likely benign for Cardiovascular phenotype. Last evaluated: 2024-08-03. Review status: criteria provided, single submitter. Criteria: Ambry Variant Classification Scheme 2023. Collection method: clinical testing. Allele origin: germline.

Labcorp Genetics (formerly Invitae), Labcorp
Classification: Likely benign for Dilated cardiomyopathy 1G; Autosomal recessive limb-girdle muscular dystrophy type 2J. Last evaluated: 2022-06-27. Review status: criteria provided, single submitter. Criteria: Invitae Variant Classification Sherloc (09022015). Collection method: clinical testing. Allele origin: germline.